The following is an entry in ClinVar:

ClinVar aggregate classification (germline): Uncertain significance. Review status: criteria provided, multiple submitters, no conflicts (2 of 4 stars). 3 submissions from 3 submitters: Uncertain significance (3). Last evaluated 2026-03-05.

Conditions:
Inborn genetic diseases. Identifiers: MedGen C0950123, MeSH D030342.

Allele frequency attached by ClinVar (database versions not stated): gnomAD 0.00002 and 0.00003; gnomAD exomes 0.00002 and 0.00003; TOPMed 0.00005.
gnomAD v4.1: 44 of 1,612,538 alleles (0.0027%); highest among the groups gnomAD compares: Non-Finnish European, 0.0034%; no homozygotes.

Submissions (3):

Women's Health and Genetics/Laboratory Corporation of America, LabCorp
Classification: Uncertain significance. Last evaluated: 2026-03-05. Review status: criteria provided, single submitter. Criteria: LabCorp Variant Classification Summary - May 2015. Collection method: clinical testing. Allele origin: germline.
Comment: Variant summary: TUBGCP6 c.3254A>G (p.Asn1085Ser) results in a conservative amino acid change in the encoded protein sequence. Algorithms developed to predict the effect of missense changes on protein structure and function all suggest that this variant is likely to be tolerated. The variant allele was found at a frequency of 1.6e-05 in 251482 control chromosomes. The available data on variant occurrences in the general population are insufficient to allow any conclusion about variant significance. To our knowledge, no occurrence of c.3254A>G in individuals affected with TUBGCP6-related conditions and no experimental evidence demonstrating its impact on protein function have been reported. ClinVar contains an entry for this variant (Variation ID: 1370995). Based on the evidence outlined above, the variant was classified as uncertain significance.

Labcorp Genetics (formerly Invitae), Labcorp
Classification: Uncertain significance. Last evaluated: 2025-04-28. Review status: criteria provided, single submitter. Criteria: Invitae Variant Classification Sherloc (09022015). Collection method: clinical testing. Allele origin: germline.
Comment: This sequence change replaces asparagine, which is neutral and polar, with serine, which is neutral and polar, at codon 1085 of the TUBGCP6 protein (p.Asn1085Ser). This variant is present in population databases (no rsID available, gnomAD 0.01%). This variant has not been reported in the literature in individuals affected with TUBGCP6-related conditions. ClinVar contains an entry for this variant (Variation ID: 1370995). An algorithm developed to predict the effect of missense changes on protein structure and function (PolyPhen-2) suggests that this variant is likely to be tolerated. In summary, the available evidence is currently insufficient to determine the role of this variant in disease. Therefore, it has been classified as a Variant of Uncertain Significance.

Ambry Genetics
Classification: Uncertain significance for Inborn genetic diseases. Last evaluated: 2021-08-13. Review status: criteria provided, single submitter. Criteria: Ambry Variant Classification Scheme 2023. Collection method: clinical testing. Allele origin: germline.

NM_020461.4(TUBGCP6):c.3254A>G (p.Asn1085Ser)

Gene: TUBGCP6 (tubulin gamma complex component 6; minus strand). Cytogenetic location: 22q13.33.
Variant type: single nucleotide variant.
Coding change: c.3254A>G on transcript NM_020461.4 (MANE Select); coding-DNA position 3254, A replaced by G.
Protein change: p.Asn1085Ser; replaces asparagine 1085 with serine.
Molecular consequence: missense variant.
Genome position (GRCh38, 1-based): chr22:50,221,105, T>C on the plus strand (A>G on the coding strand, the complement: TUBGCP6 is on the minus strand). VCF-style: chr22-50221105-T-C. GRCh37 (hg19) VCF-style: chr22-50659534-T-C.
Other names: c.3254A>G (NM_020461.3); short protein forms N1085S.
Identifiers: ClinVar variation 1370995 (VCV001370995.8), dbSNP rs1020548875, ClinGen allele CA325512424.
Genomic context (GRCh38, chr22:50,221,105, plus strand): 5'-TTCCACCGTGGCCGAGTGGGAGCCACATCTGACACAGACTCCCCTAAGCTGATGCTGGCA[T>C]TGGATACGTGTCCGTGGGTGTTCCACCGTGGCTGGGTGGGAGCCACATCTGACACATTCT-3'
Protein context (NP_065194.3, residues 1075-1095): PRWNTHGHVS[Asn1085Ser]ASISLGESVS